The following is an entry in ClinVar:

ClinVar aggregate classification (germline): Uncertain significance (1 of 4 stars; one submission).

Allele frequency attached by ClinVar (database versions not stated): ExAC 0.00001; gnomAD exomes 0.00001.
gnomAD v4.1: 4 of 1,614,174 alleles (0.00025%); highest among the groups gnomAD compares: South Asian, 0.0022%; no homozygotes.

Submission:

Women's Health and Genetics/Laboratory Corporation of America, LabCorp
Classification: Uncertain significance. Last evaluated: 2023-02-15. Review status: criteria provided, single submitter. Criteria: LabCorp Variant Classification Summary - May 2015. Collection method: clinical testing. Allele origin: germline.
Comment: Variant summary: HFE c.283G>C (p.Asp95His) results in a non-conservative amino acid change located in the MHC class I alpha chain, alpha1 alpha2 domains (IPR001039) of the encoded protein sequence. Three of five in-silico tools predict a damaging effect of the variant on protein function. The variant allele was found at a frequency of 8e-06 in 251464 control chromosomes (gnomAD). The available data on variant occurrences in the general population are insufficient to allow any conclusion about variant significance. c.283G>C has been reported in the literature as a VUS in a setting of multigene testing in a heterozygous individual suspected of a genetic neuroinflammatory disorder (McCreary_2019). This report does not provide unequivocal conclusions about association of the variant with Hemochromatosis Type 1. To our knowledge, no experimental evidence demonstrating an impact on protein function has been reported. No clinical diagnostic laboratories have submitted clinical-significance assessments for this variant to ClinVar after 2014. Based on the evidence outlined above, the variant was classified as uncertain significance.

Literature cited by the submitters: PubMed 31664448.

NM_000410.4(HFE):c.283G>C (p.Asp95His)

Gene: HFE (homeostatic iron regulator; plus strand). Cytogenetic location: 6p22.2.
Variant type: single nucleotide variant.
Coding change: c.283G>C on transcript NM_000410.4 (MANE Select); coding-DNA position 283, G replaced by C.
Protein change: p.Asp95His; replaces aspartic acid 95 with histidine.
Molecular consequence: missense variant. On other transcripts: intron variant (4).
Genome position (GRCh38, 1-based): chr6:26,091,047, G>C. VCF-style: chr6-26091047-G-C. GRCh37 (hg19) VCF-style: chr6-26091275-G-C.
Other names: c.283G>C, p.Asp95His (NM_001300749.3, NM_001384164.1, NM_001406751.1 and 3 more transcripts); c.214G>C, p.Asp72His (NM_139009.3); c.77-267G>C (NM_139007.3, NM_139008.3); c.77-1638G>C (NM_139010.3); c.77-2072G>C (NM_139011.3); short protein forms D72H, D95H.
Identifiers: ClinVar variation 1328992 (VCV001328992.4), dbSNP rs750836160, ClinGen allele CA3666621.